The following is an entry in ClinVar:

NM_001394372.1(BICRA):c.2343C>G (p.His781Gln)

Gene: BICRA (BRD4 interacting chromatin remodeling complex associated protein; plus strand). Cytogenetic location: 19q13.33.
Variant type: single nucleotide variant.
Coding change: c.2343C>G on transcript NM_001394372.1 (MANE Select); coding-DNA position 2343, C replaced by G.
Protein change: p.His781Gln; replaces histidine 781 with glutamine.
Molecular consequence: missense variant.
Genome position (GRCh38, 1-based): chr19:47,694,174, C>G. VCF-style: chr19-47694174-C-G. GRCh37 (hg19) VCF-style: chr19-48197431-C-G.
Other names: c.2343C>G, p.His781Gln (NM_015711.3); short protein forms H781Q.
Identifiers: ClinVar variation 2442547 (VCV002442547.1), dbSNP rs1396568366, ClinGen allele CA406620251.
Genomic context (GRCh38, chr19:47,694,174, plus strand): 5'-GATCCCGGCAGCGGCTCCGCTGAAGGGCCCAGGCCCCTCTTCGTCCCCGTCACTACCTCA[C>G]CAGGCCCCTCTGGGGGACAGCCCCCACCTGCCCTCCCCACACCCCACCCGGCCCCCTTCC-3'
Protein context (NP_001381301.1, residues 771-791): PGPSSSPSLP[His781Gln]QAPLGDSPHL

ClinVar aggregate classification (germline): Uncertain significance (1 of 4 stars; one submission).

Submission:

GeneDx
Classification: Uncertain significance. Last evaluated: 2022-08-22. Review status: criteria provided, single submitter. Criteria: GeneDx Variant Classification Process June 2021. Collection method: clinical testing. Allele origin: germline. Affected: yes.
Comment: Not observed at significant frequency in large population cohorts (gnomAD); In silico analysis supports that this missense variant does not alter protein structure/function; Has not been previously published as pathogenic or benign to our knowledge